The following is an entry in ClinVar:

NM_003072.5(SMARCA4):c.3445T>C (p.Tyr1149His)

Gene: SMARCA4 (SWI/SNF related BAF chromatin remodeling complex subunit ATPase 4; plus strand). Cytogenetic location: 19p13.2.
Variant type: single nucleotide variant.
Coding change: c.3445T>C on transcript NM_003072.5 (MANE Select); coding-DNA position 3445, T replaced by C.
Protein change: p.Tyr1149His; replaces tyrosine 1149 with histidine.
Molecular consequence: missense variant. On other transcripts: non-coding transcript variant (1).
Genome position (GRCh38, 1-based): chr19:11,030,792, T>C. VCF-style: chr19-11030792-T-C. GRCh37 (hg19) VCF-style: chr19-11141468-T-C.
Other names: c.3445T>C, p.Tyr1149His (NM_001128844.3, NM_001128845.2, NM_001128846.2 and 5 more transcripts); short protein forms Y1149H.
Identifiers: ClinVar variation 1039565 (VCV001039565.11), dbSNP rs2074875124, ClinGen allele CA404062850.

ClinVar aggregate classification (germline): Uncertain significance. Review status: criteria provided, multiple submitters, no conflicts (2 of 4 stars). 2 submissions from 2 submitters: Uncertain significance (2). Last evaluated 2023-02-02.

Conditions:
Hereditary cancer-predisposing syndrome. Also called: Neoplastic Syndromes, Hereditary; Hereditary Cancer Syndrome; Tumor predisposition; Hereditary neoplastic syndrome. Identifiers: Orphanet 140162, MedGen C0027672, MeSH D009386, MONDO:0015356.
Rhabdoid tumor predisposition syndrome 2 (RTPS2). Identifiers: Orphanet 231108, Orphanet 69077, MedGen C2750074, MONDO:0013224, OMIM 613325.

Submissions (2):

Labcorp Genetics (formerly Invitae), Labcorp
Classification: Uncertain significance for Rhabdoid tumor predisposition syndrome 2. Last evaluated: 2023-02-02. Review status: criteria provided, single submitter. Criteria: Invitae Variant Classification Sherloc (09022015). Collection method: clinical testing. Allele origin: germline.
Comment: In summary, the available evidence is currently insufficient to determine the role of this variant in disease. Therefore, it has been classified as a Variant of Uncertain Significance. This sequence change replaces tyrosine, which is neutral and polar, with histidine, which is basic and polar, at codon 1149 of the SMARCA4 protein (p.Tyr1149His). This variant is not present in population databases (gnomAD no frequency). This variant has not been reported in the literature in individuals affected with SMARCA4-related conditions. ClinVar contains an entry for this variant (Variation ID: 1039565). Advanced modeling of protein sequence and biophysical properties (such as structural, functional, and spatial information, amino acid conservation, physicochemical variation, residue mobility, and thermodynamic stability) performed at Invitae indicates that this missense variant is expected to disrupt SMARCA4 protein function.

Ambry Genetics
Classification: Uncertain significance for Hereditary cancer-predisposing syndrome. Last evaluated: 2020-10-14. Review status: criteria provided, single submitter. Criteria: Ambry Variant Classification Scheme 2023. Collection method: clinical testing. Allele origin: germline.
Comment: The p.Y1149H variant (also known as c.3445T>C), located in coding exon 24 of the SMARCA4 gene, results from a T to C substitution at nucleotide position 3445. The tyrosine at codon 1149 is replaced by histidine, an amino acid with similar properties. This amino acid position is highly conserved in available vertebrate species. In addition, this alteration is predicted to be deleterious by in silico analysis. Since supporting evidence is limited at this time, the clinical significance of this alteration remains unclear.